The following is an entry in ClinVar:

ClinVar aggregate classification (germline): Uncertain significance (1 of 4 stars; one submission).

Conditions:
Hereditary cancer-predisposing syndrome. Also called: Neoplastic Syndromes, Hereditary; Tumor predisposition; Hereditary neoplastic syndrome; Hereditary Cancer Syndrome. Identifiers: Orphanet 140162, MedGen C0027672, MeSH D009386, MONDO:0015356.

gnomAD v4.1: 12 of 1,601,068 alleles (0.00075%); highest among the groups gnomAD compares: Non-Finnish European, 0.001%; no homozygotes.

Submission:

Ambry Genetics
Classification: Uncertain significance for Hereditary cancer-predisposing syndrome. Last evaluated: 2026-06-23. Review status: criteria provided, single submitter. Criteria: Ambry Variant Classification Scheme 2023. Collection method: clinical testing. Allele origin: germline.
Comment: The p.P64S variant (also known as c.190C>T), located in coding exon 1 of the CDKN2A (p14ARF) gene, results from a C to T substitution at nucleotide position 190. The proline at codon 64 is replaced by serine, an amino acid with similar properties. This amino acid position is not well conserved in available vertebrate species. Based on the available evidence, the clinical significance of this variant remains unclear.

NM_058195.4(CDKN2A):c.190C>T (p.Pro64Ser)

Gene: CDKN2A (cyclin dependent kinase inhibitor 2A; minus strand). Cytogenetic location: 9p21.3.
Variant type: single nucleotide variant.
Coding change: c.190C>T on transcript NM_058195.4 (MANE Plus Clinical); coding-DNA position 190, C replaced by T.
Protein change: p.Pro64Ser; replaces proline 64 with serine.
Molecular consequence: missense variant. On other transcripts: intron variant (1).
Genome position (GRCh38, 1-based): chr9:21,994,142, G>A on the plus strand (C>T on the coding strand, the complement: CDKN2A is on the minus strand). VCF-style: chr9-21994142-G-A. GRCh37 (hg19) VCF-style: chr9-21994141-G-A.
Other names: c.-4+679C>T (NM_001363763.2); short protein forms P64S.
Identifiers: ClinVar variation 5034241 (VCV005034241.1).